The following is an entry in ClinVar:

NM_004629.2(FANCG):c.580C>T (p.Pro194Ser)

Gene: FANCG (FA complementation group G; minus strand). Cytogenetic location: 9p13.3.
Variant type: single nucleotide variant.
Coding change: c.580C>T on transcript NM_004629.2 (MANE Select); coding-DNA position 580, C replaced by T.
Protein change: p.Pro194Ser; replaces proline 194 with serine.
Molecular consequence: missense variant.
Genome position (GRCh38, 1-based): chr9:35,077,330, G>A on the plus strand (C>T on the coding strand, the complement: FANCG is on the minus strand). VCF-style: chr9-35077330-G-A. GRCh37 (hg19) VCF-style: chr9-35077327-G-A.
Other names: short protein forms P194S.
Identifiers: ClinVar variation 456239 (VCV000456239.9), dbSNP rs1554670412, ClinGen allele CA373314096.

ClinVar aggregate classification (germline): Uncertain significance. Review status: criteria provided, single submitter (1 of 4 stars). 2 submissions from 2 submitters: Uncertain significance (1). 1 of the submissions does not count toward it. Last evaluated 2021-08-24.

Conditions:
Fanconi anemia (FA). Also called: Fanconi's anemia. Identifiers: Orphanet 84, MedGen C0015625, MeSH D005199, MONDO:0019391.
Fanconi anemia complementation group G. Also called: Fanconi anemia group G; FANCG-Related Fanconi Anemia. Identifiers: Orphanet 84, MedGen C3469527, MONDO:0013565, OMIM 614082.

gnomAD v4.1: 2 of 1,614,130 alleles (0.00012%); highest among the groups gnomAD compares: East Asian, 0.0022%; no homozygotes.

Submissions (2):

Labcorp Genetics (formerly Invitae), Labcorp
Classification: Uncertain significance for Fanconi anemia. Last evaluated: 2021-08-24. Review status: criteria provided, single submitter. Criteria: Invitae Variant Classification Sherloc (09022015). Collection method: clinical testing. Allele origin: germline.
Comment: This sequence change replaces proline with serine at codon 194 of the FANCG protein (p.Pro194Ser). The proline residue is moderately conserved and there is a moderate physicochemical difference between proline and serine. This variant is not present in population databases (ExAC no frequency). This variant has not been reported in the literature in individuals affected with FANCG-related conditions. Algorithms developed to predict the effect of missense changes on protein structure and function (SIFT, PolyPhen-2, Align-GVGD) all suggest that this variant is likely to be tolerated. In summary, the available evidence is currently insufficient to determine the role of this variant in disease. Therefore, it has been classified as a Variant of Uncertain Significance.

Natera, Inc.
Classification: Uncertain significance for Fanconi anemia group G. Last evaluated: 2020-04-13. Review status: no assertion criteria provided. Collection method: clinical testing. Allele origin: germline. Not counted in ClinVar's aggregate classification.